The following is an entry in ClinVar:

ClinVar aggregate classification (germline): Uncertain significance (1 of 4 stars; one submission).

Conditions:
Inborn genetic diseases. Identifiers: MedGen C0950123, MeSH D030342.

Submission:

Ambry Genetics
Classification: Uncertain significance for Inborn genetic diseases. Last evaluated: 2026-05-01. Review status: criteria provided, single submitter. Criteria: Ambry Variant Classification Scheme 2023. Collection method: clinical testing. Allele origin: germline.
Comment: The p.S119N variant (also known as c.356G>A), located in coding exon 2 of the GATA2 gene, results from a G to A substitution at nucleotide position 356. The serine at codon 119 is replaced by asparagine, an amino acid with highly similar properties. This amino acid position is conserved. In addition, this alteration is predicted to be tolerated by in silico analysis. Based on the available evidence, the clinical significance of this variant remains unclear.

NM_032638.5(GATA2):c.356G>A (p.Ser119Asn)

Gene: GATA2 (GATA binding protein 2; minus strand). Cytogenetic location: 3q21.3.
Variant type: single nucleotide variant.
Coding change: c.356G>A on transcript NM_032638.5 (MANE Select); coding-DNA position 356, G replaced by A.
Protein change: p.Ser119Asn; replaces serine 119 with asparagine.
Molecular consequence: missense variant.
Genome position (GRCh38, 1-based): chr3:128,486,242, C>T on the plus strand (G>A on the coding strand, the complement: GATA2 is on the minus strand). VCF-style: chr3-128486242-C-T. GRCh37 (hg19) VCF-style: chr3-128205085-C-T.
Other names: c.356G>A, p.Ser119Asn (NM_001145661.2, NM_001145662.1); short protein forms S119N.
Identifiers: ClinVar variation 4871683 (VCV004871683.1).